The following is an entry in ClinVar:

NM_007255.3(B4GALT7):c.920_921delinsTT (p.Cys307Phe)

Gene: B4GALT7 (beta-1,4-galactosyltransferase 7; plus strand). Cytogenetic location: 5q35.3.
Variant type: Indel.
Coding change: c.920_921delinsTT on transcript NM_007255.3 (MANE Select); coding-DNA positions 920 to 921, GC replaced by TT.
Protein change: p.Cys307Phe; replaces cysteine 307 with phenylalanine.
Molecular consequence: missense variant.
Genome position (GRCh38, 1-based): chr5:177,609,631-177,609,632, GC replaced by TT. VCF-style: chr5-177609631-GC-TT. GRCh37 (hg19) VCF-style: chr5-177036632-GC-TT.
Other names: short protein forms C307F.
Identifiers: ClinVar variation 5008586 (VCV005008586.1).

ClinVar aggregate classification (germline): Uncertain significance (1 of 4 stars; one submission).

Submission:

GeneDx
Classification: Uncertain significance. Last evaluated: 2026-03-04. Review status: criteria provided, single submitter. Criteria: GeneDx Variant Classification Process June 2021. Collection method: clinical testing. Allele origin: germline.
Comment: Not observed at significant frequency in large population cohorts (gnomAD); In silico analysis supports a deleterious effect on protein structure/function; Has not been previously published as pathogenic or benign to our knowledge